The following is an entry in ClinVar:

NM_014727.3(KMT2B):c.1671G>A (p.Val557=)

Gene: KMT2B (lysine methyltransferase 2B; plus strand). Cytogenetic location: 19q13.12.
Variant type: single nucleotide variant.
Coding change: c.1671G>A on transcript NM_014727.3 (MANE Select); coding-DNA position 1671, G replaced by A.
Protein change: p.Val557=; no amino-acid change (valine 557 retained).
Molecular consequence: synonymous variant.
Genome position (GRCh38, 1-based): chr19:35,721,018, G>A. VCF-style: chr19-35721018-G-A. GRCh37 (hg19) VCF-style: chr19-36211920-G-A.
Identifiers: ClinVar variation 2672753 (VCV002672753.26), dbSNP rs752887254, ClinGen allele CA9384271.

ClinVar aggregate classification (germline): Benign/Likely benign. Review status: criteria provided, multiple submitters, no conflicts (2 of 4 stars). 2 submissions from 2 submitters: Benign (1); Likely benign (1). Last evaluated 2023-11-01.

Allele frequency attached by ClinVar (database versions not stated): gnomAD 0.00001; gnomAD exomes 0.00001; ExAC 0.00004.
gnomAD v4.1: 11 of 1,608,004 alleles (0.00068%); highest among the groups gnomAD compares: South Asian, 0.0078%; no homozygotes.

Submissions (2):

CeGaT Center for Human Genetics Tuebingen
Classification: Likely benign. Last evaluated: 2023-11-01. Review status: criteria provided, single submitter. Criteria: CeGaT Center For Human Genetics Tuebingen Variant Classification Criteria Version 2. Collection method: clinical testing. Allele origin: germline. Affected: yes. Observed: 1 variant allele.
Comment: KMT2B: BP4, BP7

Labcorp Genetics (formerly Invitae), Labcorp
Classification: Benign. Last evaluated: 2023-08-04. Review status: criteria provided, single submitter. Criteria: Invitae Variant Classification Sherloc (09022015). Collection method: clinical testing. Allele origin: germline.